The following is an entry in ClinVar:

NM_000264.5(PTCH1):c.1152C>A (p.His384Gln)

Gene: PTCH1 (patched 1; minus strand). Cytogenetic location: 9q22.32.
Variant type: single nucleotide variant.
Coding change: c.1152C>A on transcript NM_000264.5 (MANE Select); coding-DNA position 1152, C replaced by A.
Protein change: p.His384Gln; replaces histidine 384 with glutamine.
Molecular consequence: missense variant. On other transcripts: non-coding transcript variant (1).
Genome position (GRCh38, 1-based): chr9:95,479,063, G>T on the plus strand (C>A on the coding strand, the complement: PTCH1 is on the minus strand). VCF-style: chr9-95479063-G-T. GRCh37 (hg19) VCF-style: chr9-98241345-G-T.
Other names: c.954C>A, p.His318Gln (NM_001083602.3); c.1149C>A, p.His383Gln (NM_001083603.3); c.699C>A, p.His233Gln (NM_001083604.3, NM_001083605.3, NM_001083606.3 and 1 more transcripts); c.1152C>A, p.His384Gln (NM_001354918.2); short protein forms H318Q, H384Q, H383Q, H233Q.
Identifiers: ClinVar variation 486213 (VCV000486213.5), dbSNP rs200246772, ClinGen allele CA374119348.
Genomic context (GRCh38, chr9:95,479,063, plus strand): 5'-CACATATGTCCTCTGCCAGGCCTCCAGGATGGCTGCCGCTTTGTCCTCGTTCCAGTTGAT[G>T]TGTGAGACATACTCGTACCCCTTGAAGTGCTCGTACATTTGCTTGGGAGTCATTAACTGG-3'
Protein context (NP_000255.2, residues 374-394): EHFKGYEYVS[His384Gln]INWNEDKAAA

ClinVar aggregate classification (germline): Uncertain significance (1 of 4 stars; one submission).

Conditions:
Hereditary cancer-predisposing syndrome. Also called: Tumor predisposition; Hereditary Cancer Syndrome; Hereditary neoplastic syndrome; Neoplastic Syndromes, Hereditary. Identifiers: Orphanet 140162, MedGen C0027672, MeSH D009386, MONDO:0015356.

Submission:

Ambry Genetics
Classification: Uncertain significance for Hereditary cancer-predisposing syndrome. Last evaluated: 2017-06-29. Review status: criteria provided, single submitter. Criteria: Ambry Variant Classification Scheme 2023. Collection method: clinical testing. Allele origin: germline.
Comment: The p.H384Q variant (also known as c.1152C>A), located in coding exon 8 of the PTCH1 gene, results from a C to A substitution at nucleotide position 1152. The histidine at codon 384 is replaced by glutamine, an amino acid with highly similar properties. This amino acid position is highly conserved in available vertebrate species. In addition, the in silico prediction for this alteration is inconclusive. Since supporting evidence is limited at this time, the clinical significance of this alteration remains unclear.